The following is an entry in ClinVar:

ClinVar aggregate classification (germline): Benign/Likely benign. Review status: criteria provided, multiple submitters, no conflicts (2 of 4 stars). 3 submissions from 3 submitters: Benign (2); Likely benign (1). Last evaluated 2023-11-29.

Conditions:
Brugada syndrome 4 (BRGDA4). Identifiers: Orphanet 130, MedGen C2678477, MONDO:0012743, OMIM 611876.

Allele frequency attached by ClinVar (database versions not stated): ESP Exome Variant Server 0.00392; gnomAD 0.00277 and 0.00292; TOPMed 0.00329; 1000 Genomes Project 0.00359; 1000 Genomes Project 30x 0.00375.
gnomAD v4.1: 847 of 1,613,692 alleles (0.052%); highest among the groups gnomAD compares: African/African-American, 0.97%; 7 homozygotes.

Submissions (3):

ARUP Laboratories, Molecular Genetics and Genomics, ARUP Laboratories
Classification: Likely benign for Brugada syndrome 4. Last evaluated: 2023-11-29. Review status: criteria provided, single submitter. Criteria: ARUP Molecular Germline Variant Investigation Process 2024. Collection method: clinical testing. Allele origin: germline.

GeneDx
Classification: Benign. Last evaluated: 2015-03-03. Review status: criteria provided, single submitter. Criteria: GeneDx Variant Classification Process June 2021. Collection method: clinical testing. Allele origin: germline. Affected: yes.

Biesecker Lab/Clinical Genomics Section, National Institutes of Health
Classification: Benign. Last evaluated: 2013-06-24. Review status: criteria provided, single submitter. Criteria: Ng et al. (Circ Cardiovasc Genet. 2013). Collection method: research. Allele origin: unknown. Observed: 2 variant alleles. Study: ClinSeq.
Comment: The study set was not selected for affection status in relation to any cancer. Pathogenicity categories were based on literature curation. See Pubmed ID:23861362 for details.

Medical sequencing

NM_201596.3(CACNB2):c.804+653G>A

Gene: CACNB2 (calcium voltage-gated channel auxiliary subunit beta 2; plus strand). Cytogenetic location: 10p12.31.
Variant type: single nucleotide variant.
Coding change: c.804+653G>A on transcript NM_201596.3 (MANE Select); 653 bases into the intron after coding-DNA position 804, G replaced by A.
Molecular consequence: intron variant. On other transcripts: missense variant (2).
Genome position (GRCh38, 1-based): chr10:18,515,022, G>A. VCF-style: chr10-18515022-G-A. GRCh37 (hg19) VCF-style: chr10-18803951-G-A.
Other names: c.629G>A, p.Gly210Asp (NM_201572.4); c.713G>A, p.Gly238Asp (NM_201597.3); c.720+653G>A (NM_201571.4); c.606+492G>A (NM_001167945.2); c.690+492G>A (NM_201593.3); c.639+653G>A (NM_000724.4); c.525+492G>A (NM_001330060.2); c.642+653G>A (NM_201590.3); and 1 more; short protein forms G210D, G238D.
Identifiers: ClinVar variation 191568 (VCV000191568.12), dbSNP rs142899184, ClinGen allele CA199940.